The following is an entry in ClinVar:

ClinVar aggregate classification (germline): Uncertain significance (1 of 4 stars; one submission).

Allele frequency attached by ClinVar (database versions not stated): TOPMed 0.00001.
gnomAD v4.1: 1 of 1,614,100 alleles (0.000062%); highest among the groups gnomAD compares: Non-Finnish European, 0.000085%; no homozygotes.

Submission:

Labcorp Genetics (formerly Invitae), Labcorp
Classification: Uncertain significance. Last evaluated: 2022-09-19. Review status: criteria provided, single submitter. Criteria: Invitae Variant Classification Sherloc (09022015). Collection method: clinical testing. Allele origin: germline.
Comment: In summary, the available evidence is currently insufficient to determine the role of this variant in disease. Therefore, it has been classified as a Variant of Uncertain Significance. Algorithms developed to predict the effect of missense changes on protein structure and function are either unavailable or do not agree on the potential impact of this missense change (SIFT: "Not Available"; PolyPhen-2: "Possibly Damaging"; Align-GVGD: "Not Available"). This sequence change replaces alanine, which is neutral and non-polar, with serine, which is neutral and polar, at codon 202 of the LCT protein (p.Ala202Ser). This variant has not been reported in the literature in individuals affected with LCT-related conditions. This variant is not present in population databases (gnomAD no frequency).

NM_002299.4(LCT):c.604G>T (p.Ala202Ser)

Gene: LCT (lactase; minus strand). Cytogenetic location: 2q21.3.
Variant type: single nucleotide variant.
Coding change: c.604G>T on transcript NM_002299.4 (MANE Select); coding-DNA position 604, G replaced by T.
Protein change: p.Ala202Ser; replaces alanine 202 with serine.
Molecular consequence: missense variant.
Genome position (GRCh38, 1-based): chr2:135,836,566, C>A on the plus strand (G>T on the coding strand, the complement: LCT is on the minus strand). VCF-style: chr2-135836566-C-A. GRCh37 (hg19) VCF-style: chr2-136594136-C-A.
Other names: short protein forms A202S.
Identifiers: ClinVar variation 1949242 (VCV001949242.5), dbSNP rs1359258763, ClinGen allele CA348608972.